The following is an entry in ClinVar:

ClinVar aggregate classification (germline): Uncertain significance (1 of 4 stars; one submission).

Submission:

GeneDx
Classification: Uncertain significance. Last evaluated: 2023-06-27. Review status: criteria provided, single submitter. Criteria: GeneDx Variant Classification Process June 2021. Collection method: clinical testing. Allele origin: germline. Affected: yes.
Comment: Not observed at significant frequency in large population cohorts (gnomAD); In silico analysis supports that this missense variant has a deleterious effect on protein structure/function; Has not been previously published as pathogenic or benign to our knowledge; This variant is associated with the following publications: (PMID: 18184292)

NM_000702.4(ATP1A2):c.1582G>T (p.Asp528Tyr)

Gene: ATP1A2 (ATPase Na+/K+ transporting subunit alpha 2; plus strand). Cytogenetic location: 1q23.2.
Variant type: single nucleotide variant.
Coding change: c.1582G>T on transcript NM_000702.4 (MANE Select); coding-DNA position 1582, G replaced by T.
Protein change: p.Asp528Tyr; replaces aspartic acid 528 with tyrosine.
Molecular consequence: missense variant.
Genome position (GRCh38, 1-based): chr1:160,130,222, G>T. VCF-style: chr1-160130222-G-T. GRCh37 (hg19) VCF-style: chr1-160100012-G-T.
Other names: short protein forms D528Y.
Identifiers: ClinVar variation 3360353 (VCV003360353.1).